The following is an entry in ClinVar:

NM_005566.4(LDHA):c.170A>G (p.Lys57Arg)

Gene: LDHA (lactate dehydrogenase A; plus strand). Cytogenetic location: 11p15.1.
Variant type: single nucleotide variant.
Coding change: c.170A>G on transcript NM_005566.4 (MANE Select); coding-DNA position 170, A replaced by G.
Protein change: p.Lys57Arg; replaces lysine 57 with arginine.
Molecular consequence: missense variant.
Genome position (GRCh38, 1-based): chr11:18,399,474, A>G. VCF-style: chr11-18399474-A-G. GRCh37 (hg19) VCF-style: chr11-18421021-A-G.
Other names: c.170A>G, p.Lys57Arg (NM_001135239.2, NM_001165415.2, NM_001165416.2); c.257A>G, p.Lys86Arg (NM_001165414.2); short protein forms K86R, K57R.
Identifiers: ClinVar variation 1407122 (VCV001407122.8), dbSNP rs2134021578, ClinGen allele CA379501893.

ClinVar aggregate classification (germline): Uncertain significance (1 of 4 stars; one submission).

Conditions:
Glycogen storage disease due to lactate dehydrogenase M-subunit deficiency (GSD11). Also called: GSD XI; LACTATE DEHYDROGENASE A DEFICIENCY; Glycogen storage disease XI. Identifiers: Orphanet 284426, MedGen C2931743, MONDO:0013047, OMIM 612933.

Allele frequency attached by ClinVar (database versions not stated): gnomAD exomes 0.00001.
gnomAD v4.1: 3 of 1,613,736 alleles (0.00019%); highest among the groups gnomAD compares: Non-Finnish European, 0.00025%; no homozygotes.

Submission:

Labcorp Genetics (formerly Invitae), Labcorp
Classification: Uncertain significance for Glycogen storage disease due to lactate dehydrogenase M-subunit deficiency. Last evaluated: 2021-08-13. Review status: criteria provided, single submitter. Criteria: Invitae Variant Classification Sherloc (09022015). Collection method: clinical testing. Allele origin: germline.
Comment: In summary, the available evidence is currently insufficient to determine the role of this variant in disease. Therefore, it has been classified as a Variant of Uncertain Significance. Algorithms developed to predict the effect of missense changes on protein structure and function are either unavailable or do not agree on the potential impact of this missense change (SIFT: "Tolerated"; PolyPhen-2: "Probably Damaging"; Align-GVGD: "Class C0"). This variant has not been reported in the literature in individuals with LDHA-related conditions. This variant is not present in population databases (ExAC no frequency). This sequence change replaces lysine with arginine at codon 57 of the LDHA protein (p.Lys57Arg). The lysine residue is highly conserved and there is a small physicochemical difference between lysine and arginine.